The following is an entry in ClinVar:

ClinVar aggregate classification (germline): Uncertain significance (1 of 4 stars; one submission).

Submission:

GeneDx
Classification: Uncertain significance. Last evaluated: 2025-07-21. Review status: criteria provided, single submitter. Criteria: GeneDx Variant Classification Process June 2021. Collection method: clinical testing. Allele origin: germline.
Comment: Not observed at significant frequency in large population cohorts (gnomAD); In silico analysis supports that this missense variant has a deleterious effect on protein structure/function; Has not been previously published as pathogenic or benign to our knowledge

NM_001287491.2(TET3):c.5110C>T (p.His1704Tyr)

Gene: TET3 (tet methylcytosine dioxygenase 3; plus strand). Cytogenetic location: 2p13.1.
Variant type: single nucleotide variant.
Coding change: c.5110C>T on transcript NM_001287491.2 (MANE Select); coding-DNA position 5110, C replaced by T.
Protein change: p.His1704Tyr; replaces histidine 1704 with tyrosine.
Molecular consequence: missense variant.
Genome position (GRCh38, 1-based): chr2:74,101,898, C>T. VCF-style: chr2-74101898-C-T. GRCh37 (hg19) VCF-style: chr2-74329025-C-T.
Other names: c.4831C>T, p.His1611Tyr (NM_001366022.1); c.4705C>T, p.His1569Tyr (NM_144993.1); short protein forms H1569Y, H1611Y, H1704Y.
Identifiers: ClinVar variation 2504784 (VCV002504784.2), dbSNP rs2528202000, ClinGen allele CA347323900.